The following is an entry in ClinVar:

ClinVar aggregate classification (germline): Uncertain significance (1 of 4 stars; one submission).

Conditions:
Emery-Dreifuss muscular dystrophy 5, autosomal dominant (EDMD5). Also called: EMERY-DREIFUSS MUSCULAR DYSTROPHY 5. Identifiers: Orphanet 261, MedGen C2751805, MONDO:0013072, OMIM 612999.

gnomAD v4.1: 1 of 1,610,210 alleles (0.000062%); highest among the groups gnomAD compares: Admixed American, 0.0017%; no homozygotes.

Submission:

Labcorp Genetics (formerly Invitae), Labcorp
Classification: Uncertain significance for Emery-Dreifuss muscular dystrophy 5, autosomal dominant. Last evaluated: 2025-03-19. Review status: criteria provided, single submitter. Criteria: Invitae Variant Classification Sherloc (09022015). Collection method: clinical testing. Allele origin: germline.
Comment: This sequence change replaces lysine, which is basic and polar, with arginine, which is basic and polar, at codon 891 of the SYNE2 protein (p.Lys891Arg). This variant is not present in population databases (gnomAD no frequency). This variant has not been reported in the literature in individuals affected with SYNE2-related conditions. ClinVar contains an entry for this variant (Variation ID: 3000130). An algorithm developed to predict the effect of missense changes on protein structure and function (PolyPhen-2) suggests that this variant is likely to be tolerated. In summary, the available evidence is currently insufficient to determine the role of this variant in disease. Therefore, it has been classified as a Variant of Uncertain Significance.

NM_182914.3(SYNE2):c.2672A>G (p.Lys891Arg)

Gene: SYNE2 (spectrin repeat containing nuclear envelope protein 2; plus strand). Cytogenetic location: 14q23.2.
Variant type: single nucleotide variant.
Coding change: c.2672A>G on transcript NM_182914.3 (MANE Select); coding-DNA position 2672, A replaced by G.
Protein change: p.Lys891Arg; replaces lysine 891 with arginine.
Molecular consequence: missense variant.
Genome position (GRCh38, 1-based): chr14:63,993,860, A>G. VCF-style: chr14-63993860-A-G. GRCh37 (hg19) VCF-style: chr14-64460578-A-G.
Other names: c.2672A>G, p.Lys891Arg (NM_015180.6); short protein forms K891R.
Identifiers: ClinVar variation 3000130 (VCV003000130.3), dbSNP rs2096689692, ClinGen allele CA389980041.